The following is an entry in ClinVar:

NM_198253.3(TERT):c.2967G>T (p.Leu989Phe)

Gene: TERT (telomerase reverse transcriptase; minus strand). Cytogenetic location: 5p15.33.
Variant type: single nucleotide variant.
Coding change: c.2967G>T on transcript NM_198253.3 (MANE Select); coding-DNA position 2967, G replaced by T.
Protein change: p.Leu989Phe; replaces leucine 989 with phenylalanine.
Molecular consequence: missense variant. On other transcripts: non-coding transcript variant (2).
Genome position (GRCh38, 1-based): chr5:1,260,477, C>A on the plus strand (G>T on the coding strand, the complement: TERT is on the minus strand). VCF-style: chr5-1260477-C-A. GRCh37 (hg19) VCF-style: chr5-1260592-C-A.
Other names: c.2778G>T, p.Leu926Phe (NM_001193376.3); short protein forms L926F, L989F.
Identifiers: ClinVar variation 3967366 (VCV003967366.1).

ClinVar aggregate classification (germline): Uncertain significance (1 of 4 stars; one submission).

Conditions:
Dyskeratosis congenita. Identifiers: Orphanet 1775, MedGen C0265965, MONDO:0015780.

Submission:

Ambry Genetics
Classification: Uncertain significance for Dyskeratosis congenita. Last evaluated: 2025-05-16. Review status: criteria provided, single submitter. Criteria: Ambry Variant Classification Scheme 2023. Collection method: clinical testing. Allele origin: germline.
Comment: The p.L989F variant (also known as c.2967G>T), located in coding exon 12 of the TERT gene, results from a G to T substitution at nucleotide position 2967. The leucine at codon 989 is replaced by phenylalanine, an amino acid with highly similar properties. This amino acid position is conserved. In addition, this alteration is predicted to be tolerated by in silico analysis. Based on the available evidence, the clinical significance of this variant remains unclear.